The following is an entry in ClinVar:

NM_000038.6(APC):c.3355C>A (p.His1119Asn)

Gene: APC (APC regulator of Wnt signaling pathway; plus strand). Cytogenetic location: 5q22.2.
Variant type: single nucleotide variant.
Coding change: c.3355C>A on transcript NM_000038.6 (MANE Select); coding-DNA position 3355, C replaced by A.
Protein change: p.His1119Asn; replaces histidine 1119 with asparagine.
Molecular consequence: missense variant. On other transcripts: non-coding transcript variant (2).
Genome position (GRCh38, 1-based): chr5:112,838,949, C>A. VCF-style: chr5-112838949-C-A. GRCh37 (hg19) VCF-style: chr5-112174646-C-A.
Other names: c.3106C>A, p.His1036Asn (NM_001407457.1, NM_001407454.1, NM_001407455.1 and 1 more transcripts); c.3052C>A, p.His1018Asn (NM_001407458.1, NM_001407459.1, NM_001407460.1 and 1 more transcripts); c.2968C>A, p.His990Asn (NM_001407467.1, NM_001407469.1); c.2506C>A, p.His836Asn (NM_001407470.1, NM_001354906.2); c.2203C>A, p.His735Asn (NM_001407471.1, NM_001407472.1); c.3355C>A, p.His1119Asn (NM_001127510.3, NM_001354895.2, NM_001407450.1); c.3301C>A, p.His1101Asn (NM_001127511.3); c.3409C>A, p.His1137Asn (NM_001354896.2, NM_001407447.1, NM_001407448.1 and 1 more transcripts); and 11 more; short protein forms H1018N, H1028N, H1094N, H1147N, H735N, H1036N, H1091N, H1129N.
Identifiers: ClinVar variation 4827278 (VCV004827278.1).
Genomic context (GRCh38, chr5:112,838,949, plus strand): 5'-GTTTCTCCATACAGGTCACGGGGAGCCAATGGTTCAGAAACAAATCGAGTGGGTTCTAAT[C>A]ATGGAATTAATCAAAATGTAAGCCAGTCTTTGTGTCAAGAAGATGACTATGAAGATGATA-3'
Protein context (NP_000029.2, residues 1109-1129): GSETNRVGSN[His1119Asn]GINQNVSQSL

ClinVar aggregate classification (germline): Uncertain significance (1 of 4 stars; one submission).

Conditions:
Hereditary cancer-predisposing syndrome. Also called: Neoplastic Syndromes, Hereditary; Tumor predisposition; Hereditary Cancer Syndrome; Hereditary neoplastic syndrome. Identifiers: Orphanet 140162, MedGen C0027672, MeSH D009386, MONDO:0015356.

Submission:

Ambry Genetics
Classification: Uncertain significance for Hereditary cancer-predisposing syndrome. Last evaluated: 2026-02-23. Review status: criteria provided, single submitter. Criteria: Ambry Variant Classification Scheme 2023. Collection method: clinical testing. Allele origin: germline.
Comment: The p.H1119N variant (also known as c.3355C>A), located in coding exon 15 of the APC gene, results from a C to A substitution at nucleotide position 3355. The histidine at codon 1119 is replaced by asparagine, an amino acid with similar properties. This amino acid position is conserved. In addition, in silico predictors for this gene do not accurately predict pathogenicity. Based on the available evidence, the clinical significance of this variant remains unclear.